The following is an entry in ClinVar:

ClinVar aggregate classification (germline): Pathogenic (1 of 4 stars; one submission).

Submission:

Labcorp Genetics (formerly Invitae), Labcorp
Classification: Pathogenic. Last evaluated: 2023-09-27. Review status: criteria provided, single submitter. Criteria: Invitae Variant Classification Sherloc (09022015). Collection method: clinical testing. Allele origin: germline.
Comment: This sequence change creates a premature translational stop signal (p.Pro431Glnfs*6) in the CEP78 gene. It is expected to result in an absent or disrupted protein product. Loss-of-function variants in CEP78 are known to be pathogenic (PMID: 27588451, 27588452, 27627988). This variant is not present in population databases (gnomAD no frequency). This variant has not been reported in the literature in individuals affected with CEP78-related conditions. For these reasons, this variant has been classified as Pathogenic.

Literature cited by the submitters: PubMed 27588451; PubMed 27588452; PubMed 27627988.

NM_001330691.3(CEP78):c.1285_1288dup (p.Pro430fs)

Gene: CEP78 (centrosomal protein 78; plus strand). Cytogenetic location: 9q21.2.
Variant type: Duplication.
Coding change: c.1285_1288dup on transcript NM_001330691.3 (MANE Select); coding-DNA positions 1285 to 1288, 4 bases duplicated (AGTC; older notation c.1285_1288dupAGTC).
Protein change: p.Pro430fs; shifts the reading frame from proline 430.
Molecular consequence: frameshift variant.
Genome position (GRCh38, 1-based): chr9:78,254,869-78,254,872, AGTC duplicated. VCF-style (leftmost placement, unchanged base first): chr9-78254868-G-GAGTC. GRCh37 (hg19) VCF-style: chr9-80869784-G-GAGTC.
Other names: c.1288_1291dup, p.Pro431fs (NM_001098802.3, NM_001349839.2, NM_001349840.2 and 1 more transcripts); c.1285_1288dup, p.Pro430fs (NM_001330693.3, NM_001330694.2, NM_001349838.2); short protein forms P430fs, P431fs.
Identifiers: ClinVar variation 2737535 (VCV002737535.3), dbSNP rs2489471559, ClinGen allele CA2697557817.